The following is an entry in ClinVar:

NM_001197104.2(KMT2A):c.149G>A (p.Gly50Asp)

Gene: KMT2A (lysine methyltransferase 2A; plus strand). Cytogenetic location: 11q23.3.
Variant type: single nucleotide variant.
Coding change: c.149G>A on transcript NM_001197104.2 (MANE Select); coding-DNA position 149, G replaced by A.
Protein change: p.Gly50Asp; replaces glycine 50 with aspartic acid.
Molecular consequence: missense variant.
Genome position (GRCh38, 1-based): chr11:118,436,661, G>A. VCF-style: chr11-118436661-G-A. GRCh37 (hg19) VCF-style: chr11-118307376-G-A.
Other names: c.149G>A, p.Gly50Asp (NM_005933.4); c.149G>A (NM_001197104.1); short protein forms G50D.
Identifiers: ClinVar variation 1450262 (VCV001450262.7), dbSNP rs1389413038, ClinGen allele CA382797356.

ClinVar aggregate classification (germline): Uncertain significance. Review status: criteria provided, multiple submitters, no conflicts (2 of 4 stars). 2 submissions from 2 submitters: Uncertain significance (2). Last evaluated 2026-06-03.

Conditions:
Inborn genetic diseases. Identifiers: MedGen C0950123, MeSH D030342.

Allele frequency attached by ClinVar (database versions not stated): gnomAD 0.00002; gnomAD exomes 0.00001.
gnomAD v4.1: 10 of 1,196,800 alleles (0.00084%); highest among the groups gnomAD compares: Admixed American, 0.0045%; no homozygotes.

Submissions (2):

Ambry Genetics
Classification: Uncertain significance for Inborn genetic diseases. Last evaluated: 2026-06-03. Review status: criteria provided, single submitter. Criteria: Ambry Variant Classification Scheme 2023. Collection method: clinical testing. Allele origin: germline.
Comment: The c.149G>A (p.G50D) alteration is located in exon 1 (coding exon 1) of the KMT2A gene. This alteration results from a G to A substitution at nucleotide position 149, causing the glycine (G) at amino acid position 50 to be replaced by an aspartic acid (D). Based on data from gnomAD, the A allele has an overall frequency of 0.004% (1/27238) total alleles studied. The highest observed frequency was 0.007% (1/14070) of European (non-Finnish) alleles. Based on insufficient or conflicting evidence, the clinical significance of this alteration remains unclear.

Labcorp Genetics (formerly Invitae), Labcorp
Classification: Uncertain significance. Last evaluated: 2025-06-19. Review status: criteria provided, single submitter. Criteria: Invitae Variant Classification Sherloc (09022015). Collection method: clinical testing. Allele origin: germline.
Comment: This sequence change replaces glycine, which is neutral and non-polar, with aspartic acid, which is acidic and polar, at codon 50 of the KMT2A protein (p.Gly50Asp). This variant is present in population databases (no rsID available, gnomAD 0.007%). This variant has not been reported in the literature in individuals affected with KMT2A-related conditions. ClinVar contains an entry for this variant (Variation ID: 1450262). Invitae Evidence Modeling of protein sequence and biophysical properties (such as structural, functional, and spatial information, amino acid conservation, physicochemical variation, residue mobility, and thermodynamic stability) has been performed for this missense variant. However, the output from this modeling did not meet the statistical confidence thresholds required to predict the impact of this variant on KMT2A protein function. In summary, the available evidence is currently insufficient to determine the role of this variant in disease. Therefore, it has been classified as a Variant of Uncertain Significance.